The following is an entry in ClinVar:

ClinVar aggregate classification (germline): Benign/Likely benign. Review status: criteria provided, multiple submitters, no conflicts (2 of 4 stars). 4 submissions from 4 submitters: Benign (1); Likely benign (3). Last evaluated 2026-02-01.

Conditions:
Immunodeficiency 104. Also called: Severe Combined Immune Deficiency, Autosomal Recessive, TCell -Negative, B Cell-Positive, NK Cell-Positive, IL7R-Related; Severe combined immunodeficiency, autosomal recessive, T cell-negative, B cell-positive, NK cell-positive; SCID, AUTOSOMAL RECESSIVE, T CELL-NEGATIVE, B CELL-POSITIVE, NK CELL-POSITIVE; IMMUNODEFICIENCY 104, SEVERE COMBINED. Identifiers: MedGen C5676890, MONDO:0012163, OMIM 608971.

Allele frequency attached by ClinVar (database versions not stated): 1000 Genomes Project 30x 0.00016; 1000 Genomes Project 0.00020; gnomAD 0.00034 and 0.00036; TOPMed 0.00046; gnomAD exomes 0.00047 and 0.00063; ExAC 0.00050; ESP Exome Variant Server 0.00054.
gnomAD v4.1: 957 of 1,613,332 alleles (0.059%); highest among the groups gnomAD compares: Non-Finnish European, 0.072%; 2 homozygotes.

Submissions (4):

Labcorp Genetics (formerly Invitae), Labcorp
Classification: Benign for Immunodeficiency 104. Last evaluated: 2026-02-01. Review status: criteria provided, single submitter. Criteria: Invitae Variant Classification Sherloc (09022015). Collection method: clinical testing. Allele origin: germline.

Women's Health and Genetics/Laboratory Corporation of America, LabCorp
Classification: Likely benign. Last evaluated: 2026-01-23. Review status: criteria provided, single submitter. Criteria: LabCorp Variant Classification Summary - May 2015. Collection method: clinical testing. Allele origin: germline.

CeGaT Center for Human Genetics Tuebingen
Classification: Likely benign. Last evaluated: 2025-05-01. Review status: criteria provided, single submitter. Criteria: CeGaT Center For Human Genetics Tuebingen Variant Classification Criteria Version 2. Collection method: clinical testing. Allele origin: germline. Affected: yes. Observed: 1 variant allele.
Comment: PTPRC: BP4, BP7

Blueprint Genetics
Classification: Likely benign. Last evaluated: 2024-11-07. Review status: criteria provided, single submitter. Criteria: ACMG Guidelines, 2015. Collection method: clinical testing. Allele origin: germline.

NM_002838.5(PTPRC):c.39C>T (p.Gly13=)

Gene: PTPRC (protein tyrosine phosphatase receptor type C; plus strand). Cytogenetic location: 1q31.3.
Variant type: single nucleotide variant.
Coding change: c.39C>T on transcript NM_002838.5 (MANE Select); coding-DNA position 39, C replaced by T.
Protein change: p.Gly13=; no amino-acid change (glycine 13 retained).
Molecular consequence: synonymous variant. On other transcripts: non-coding transcript variant (1).
Genome position (GRCh38, 1-based): chr1:198,639,307, C>T. VCF-style: chr1-198639307-C-T. GRCh37 (hg19) VCF-style: chr1-198608437-C-T.
Other names: c.39C>T, p.Gly13= (NM_001267798.2, NM_080921.4).
Identifiers: ClinVar variation 706629 (VCV000706629.23), dbSNP rs141414674, ClinGen allele CA1314367.